The following is an entry in ClinVar:

ClinVar aggregate classification (germline): Uncertain significance (1 of 4 stars; one submission).

Conditions:
DISC1-related disorder. Also called: DISC1-related condition.

gnomAD v4.1: 23 of 1,603,806 alleles (0.0014%); highest among the groups gnomAD compares: Admixed American, 0.027%; no homozygotes.

Submission:

PreventionGenetics, part of Exact Sciences
Classification: Uncertain significance for DISC1-related condition. Last evaluated: 2026-01-15. Review status: criteria provided, single submitter. Criteria: ACMG Guidelines, 2015. Collection method: clinical testing. Allele origin: germline.
Comment: The DISC1 c.2452G>A variant is predicted to result in the amino acid substitution p.Val818Met. To our knowledge, this variant has not been reported in the literature. This variant is reported in 0.0059% of alleles in individuals of Latino descent in gnomAD. At this time, the clinical significance of this variant is uncertain due to the absence of conclusive functional and genetic evidence.

NM_018662.3(DISC1):c.2452G>A (p.Val818Met)

Genes: DISC1 (DISC1 scaffold protein; plus strand), TSNAX-DISC1 (TSNAX-DISC1 readthrough (NMD candidate); plus strand). Cytogenetic location: 1q42.2.
Variant type: single nucleotide variant.
Coding change: c.2452G>A on transcript NM_018662.3 (MANE Select); coding-DNA position 2452, G replaced by A.
Protein change: p.Val818Met; replaces valine 818 with methionine.
Molecular consequence: missense variant. On other transcripts: non-coding transcript variant (1).
Genome position (GRCh38, 1-based): chr1:232,036,718, G>A. VCF-style: chr1-232036718-G-A. GRCh37 (hg19) VCF-style: chr1-232172464-G-A.
Other names: c.2386G>A, p.Val796Met (NM_001012957.2); c.2548G>A, p.Val850Met (NM_001164537.2); c.2086G>A, p.Val696Met (NM_001164540.2); short protein forms V696M, V796M, V850M, V818M.
Identifiers: ClinVar variation 4977500 (VCV004977500.1).
Genomic context (GRCh38, chr1:232,036,718, plus strand): 5'-CACCTTCGAATGTGCTCCTTAACAATGTGCCCACAGTCTCTCAGGAGGGAGCTCCAGATG[G>A]TGAAGGAAACTCTGCAGGCCATGATCCTGCAGCTCCAGCCAGCAAAGGAGGCGGGAGAAA-3'
Protein context (NP_061132.2, residues 808-828): IQSLRRELQM[Val818Met]KETLQAMILQ